The following is an entry in ClinVar:

NM_001323289.2(CDKL5):c.578A>C (p.Asp193Ala)

Gene: CDKL5 (cyclin dependent kinase like 5; plus strand). Cytogenetic location: Xp22.13.
Variant type: single nucleotide variant.
Coding change: c.578A>C on transcript NM_001323289.2 (MANE Select); coding-DNA position 578, A replaced by C.
Protein change: p.Asp193Ala; replaces aspartic acid 193 with alanine.
Molecular consequence: missense variant.
Genome position (GRCh38, 1-based): chrX:18,587,977, A>C. VCF-style: chrX-18587977-A-C. GRCh37 (hg19) VCF-style: chrX-18606097-A-C.
Other names: c.578A>C, p.Asp193Ala (NM_001037343.2, NM_003159.3); short protein forms D193A.
Identifiers: ClinVar variation 1432338 (VCV001432338.6), dbSNP rs267608500, ClinGen allele CA412353104.

ClinVar aggregate classification (germline): Pathogenic (1 of 4 stars; one submission).

Conditions:
Angelman syndrome-like. Identifiers: MedGen CN128785.
Developmental and epileptic encephalopathy, 2 (DEE2). Also called: INFANTILE SPASM SYNDROME, X-LINKED 2; CDKL5 deficiency disorder. Identifiers: Orphanet 1934, Orphanet 3451, Orphanet 505652, MedGen C4750718, MONDO:0010396, OMIM 300672.

Submission:

Labcorp Genetics (formerly Invitae), Labcorp
Classification: Pathogenic for Developmental and epileptic encephalopathy, 2; Angelman syndrome-like. Last evaluated: 2021-09-27. Review status: criteria provided, single submitter. Criteria: Invitae Variant Classification Sherloc (09022015). Collection method: clinical testing. Allele origin: germline.
Comment: This sequence change replaces aspartic acid with alanine at codon 193 of the CDKL5 protein (p.Asp193Ala). The aspartic acid residue is highly conserved and there is a moderate physicochemical difference between aspartic acid and alanine. This variant is not present in population databases (ExAC no frequency). For these reasons, this variant has been classified as Pathogenic. This variant disrupts the p.Asp193 amino acid residue in CDKL5. Other variant(s) that disrupt this residue have been observed in individuals with CDKL5-related conditions (PMID: 23583054, 30898514), which suggests that this may be a clinically significant amino acid residue. Advanced modeling of protein sequence and biophysical properties (such as structural, functional, and spatial information, amino acid conservation, physicochemical variation, residue mobility, and thermodynamic stability) performed at Invitae indicates that this missense variant is expected to disrupt CDKL5 protein function. This missense change has been observed in individual(s) with clinical features of CDKL5-related conditions (Invitae). In at least one individual the variant was observed to be de novo.

Literature cited by the submitters: PubMed 23583054; PubMed 30898514.